The following is an entry in ClinVar:

NM_003060.4(SLC22A5):c.641C>G (p.Ala214Gly)

Gene: SLC22A5 (solute carrier family 22 member 5; plus strand). Cytogenetic location: 5q31.1.
Variant type: single nucleotide variant.
Coding change: c.641C>G on transcript NM_003060.4 (MANE Select); coding-DNA position 641, C replaced by G.
Protein change: p.Ala214Gly; replaces alanine 214 with glycine.
Molecular consequence: missense variant.
Genome position (GRCh38, 1-based): chr5:132,384,290, C>G. VCF-style: chr5-132384290-C-G. GRCh37 (hg19) VCF-style: chr5-131719982-C-G.
Other names: c.713C>G, p.Ala238Gly (NM_001308122.2); short protein forms A238G, A214G.
Identifiers: ClinVar variation 2147545 (VCV002147545.5), dbSNP rs386134199, ClinGen allele CA360804906.
Genomic context (GRCh38, chr5:132,384,290, plus strand): 5'-AGATGTTTGTCGTGCTGTTTGTCCTTGTAGGCATGGGCCAGATCTCCAACTATGTGGCAG[C>G]ATTTGTCCTGGGTATGGCCATCAGGTTGGAGTTGAGTACTTGATCCTGTATTTCACCATC-3'
Protein context (NP_003051.1, residues 204-224): GMGQISNYVA[Ala214Gly]FVLGTEILGK

ClinVar aggregate classification (germline): Conflicting classifications of pathogenicity. Review status: criteria provided, conflicting classifications (1 of 4 stars). 2 submissions from 2 submitters: Likely pathogenic (1); Uncertain significance (1). Last evaluated 2026-01-07.

Conditions:
Renal carnitine transport defect (CDSP). Also called: CARNITINE DEFICIENCY, SYSTEMIC, DUE TO DEFECT IN RENAL REABSORPTION OF CARNITINE; CARNITINE TRANSPORTER, PLASMA-MEMBRANE, DEFICIENCY OF; CARNITINE UPTAKE DEFECT; Carnitine transporter deficiency; Carnitine Deficiency, Systemic; Systemic primary carnitine deficiency. Identifiers: Orphanet 158, MedGen C0342788, MONDO:0008919, OMIM 212140.

gnomAD v4.1: 9 of 1,614,208 alleles (0.00056%); highest among the groups gnomAD compares: South Asian, 0.0011%; no homozygotes.

Submissions (2):

Labcorp Genetics (formerly Invitae), Labcorp
Classification: Likely pathogenic for Renal carnitine transport defect. Last evaluated: 2026-01-07. Review status: criteria provided, single submitter. Criteria: Invitae Variant Classification Sherloc (09022015). Collection method: clinical testing. Allele origin: germline.
Comment: This sequence change replaces alanine, which is neutral and non-polar, with glycine, which is neutral and non-polar, at codon 214 of the SLC22A5 protein (p.Ala214Gly). This variant is not present in population databases (gnomAD no frequency). This variant has not been reported in the literature in individuals affected with SLC22A5-related conditions. ClinVar contains an entry for this variant (Variation ID: 2147545). Invitae Evidence Modeling of protein sequence and biophysical properties (such as structural, functional, and spatial information, amino acid conservation, physicochemical variation, residue mobility, and thermodynamic stability) indicates that this missense variant is expected to disrupt SLC22A5 protein function with a positive predictive value of 95%. This variant disrupts the p.Ala214 amino acid residue in SLC22A5. Other variant(s) that disrupt this residue have been determined to be pathogenic (PMID: 20027113, 21864509, 28841266). This suggests that this residue is clinically significant, and that variants that disrupt this residue are likely to be disease-causing. In summary, the currently available evidence indicates that the variant is pathogenic, but additional data are needed to prove that conclusively. Therefore, this variant has been classified as Likely Pathogenic.

Blueprint Genetics
Classification: Uncertain significance. Last evaluated: 2023-09-27. Review status: criteria provided, single submitter. Criteria: ACMG Guidelines, 2015. Collection method: clinical testing. Allele origin: germline.

Literature cited by the submitters: PubMed 20027113 (cited by Labcorp Genetics (formerly Invitae), Labcorp); PubMed 21864509 (cited by Labcorp Genetics (formerly Invitae), Labcorp); PubMed 28841266 (cited by Labcorp Genetics (formerly Invitae), Labcorp).